The following is an entry in ClinVar:

ClinVar aggregate classification (germline): Uncertain significance. Review status: criteria provided, multiple submitters, no conflicts (2 of 4 stars). 2 submissions from 2 submitters: Uncertain significance (2). Last evaluated 2025-12-16.

Conditions:
Inborn genetic diseases. Identifiers: MedGen C0950123, MeSH D030342.

gnomAD v4.1: 6 of 1,613,934 alleles (0.00037%); highest among the groups gnomAD compares: African/African-American, 0.0053%; no homozygotes.

Submissions (2):

Ambry Genetics
Classification: Uncertain significance for Inborn genetic diseases. Last evaluated: 2025-12-16. Review status: criteria provided, single submitter. Criteria: Ambry Variant Classification Scheme 2023. Collection method: clinical testing. Allele origin: germline.

GeneDx
Classification: Uncertain significance. Last evaluated: 2023-05-30. Review status: criteria provided, single submitter. Criteria: GeneDx Variant Classification Process June 2021. Collection method: clinical testing. Allele origin: germline. Affected: yes.
Comment: Not observed at significant frequency in large population cohorts (gnomAD); In silico analysis supports that this missense variant does not alter protein structure/function; Has not been previously published as pathogenic or benign to our knowledge

NM_001194998.2(CEP152):c.3101G>A (p.Arg1034Gln)

Gene: CEP152 (centrosomal protein 152; minus strand). Cytogenetic location: 15q21.1.
Variant type: single nucleotide variant.
Coding change: c.3101G>A on transcript NM_001194998.2 (MANE Select); coding-DNA position 3101, G replaced by A.
Protein change: p.Arg1034Gln; replaces arginine 1034 with glutamine.
Molecular consequence: missense variant.
Genome position (GRCh38, 1-based): chr15:48,756,147, C>T on the plus strand (G>A on the coding strand, the complement: CEP152 is on the minus strand). VCF-style: chr15-48756147-C-T. GRCh37 (hg19) VCF-style: chr15-49048344-C-T.
Other names: c.3101G>A, p.Arg1034Gln (NM_014985.4); short protein forms R1034Q.
Identifiers: ClinVar variation 3362151 (VCV003362151.2).